The following is an entry in ClinVar:

ClinVar aggregate classification (germline): Likely benign (1 of 4 stars; one submission).

Submission:

GeneDx
Classification: Likely benign. Last evaluated: 2017-12-05. Review status: criteria provided, single submitter. Criteria: GeneDx Variant Classification (06012015). Collection method: clinical testing. Allele origin: germline. Affected: yes.
Comment: This variant is considered likely benign or benign based on one or more of the following criteria: it is a conservative change, it occurs at a poorly conserved position in the protein, it is predicted to be benign by multiple in silico algorithms, and/or has population frequency not consistent with disease.

NM_020774.4(MIB1):c.696T>G (p.Pro232=)

Gene: MIB1 (MIB E3 ubiquitin protein ligase 1; plus strand). Cytogenetic location: 18q11.2.
Variant type: single nucleotide variant.
Coding change: c.696T>G on transcript NM_020774.4 (MANE Select); coding-DNA position 696, T replaced by G.
Protein change: p.Pro232=; no amino-acid change (proline 232 retained).
Molecular consequence: synonymous variant.
Genome position (GRCh38, 1-based): chr18:21,778,162, T>G. VCF-style: chr18-21778162-T-G. GRCh37 (hg19) VCF-style: chr18-19358123-T-G.
Identifiers: ClinVar variation 513815 (VCV000513815.1), dbSNP rs1555690373, ClinGen allele CA503290078.